The following is an entry in ClinVar:

ClinVar aggregate classification (germline): Uncertain significance (1 of 4 stars; one submission).

gnomAD v4.1: 1 of 1,614,180 alleles (0.000062%); highest among the groups gnomAD compares: East Asian, 0.0022%; no homozygotes.

Submission:

Ambry Genetics
Classification: Uncertain significance. Last evaluated: 2022-05-10. Review status: criteria provided, single submitter. Criteria: Ambry Variant Classification Scheme 2023. Collection method: clinical testing. Allele origin: germline.
Comment: The p.L126V variant (also known as c.376C>G), located in coding exon 6 of the NPAT gene, results from a C to G substitution at nucleotide position 376. The leucine at codon 126 is replaced by valine, an amino acid with highly similar properties. This amino acid position is conserved. In addition, this alteration is predicted to be tolerated by in silico analysis. Since supporting evidence is limited at this time, the clinical significance of this alteration remains unclear.

NM_002519.3(NPAT):c.376C>G (p.Leu126Val)

Gene: NPAT (nuclear protein, coactivator of histone transcription; minus strand). Cytogenetic location: 11q22.3.
Variant type: single nucleotide variant.
Coding change: c.376C>G on transcript NM_002519.3 (MANE Select); coding-DNA position 376, C replaced by G.
Protein change: p.Leu126Val; replaces leucine 126 with valine.
Molecular consequence: missense variant.
Genome position (GRCh38, 1-based): chr11:108,189,286, G>C on the plus strand (C>G on the coding strand, the complement: NPAT is on the minus strand). VCF-style: chr11-108189286-G-C. GRCh37 (hg19) VCF-style: chr11-108060013-G-C.
Other names: c.376C>G, p.Leu126Val (NM_001321307.1); short protein forms L126V.
Identifiers: ClinVar variation 1734744 (VCV001734744.2), dbSNP rs2496745867, ClinGen allele CA382525239.